The following is an entry in ClinVar:

NM_000135.4(FANCA):c.487del (p.Arg163fs)

Gene: FANCA (FA complementation group A; minus strand). Cytogenetic location: 16q24.3.
Variant type: Deletion.
Coding change: c.487del on transcript NM_000135.4 (MANE Select); coding-DNA position 487, one base deleted (C; older notation c.487delC).
Protein change: p.Arg163fs; shifts the reading frame from arginine 163.
Molecular consequence: frameshift variant. On other transcripts: intron variant (1).
Genome position (GRCh38, 1-based): chr16:89,810,742, G deleted on the plus strand (C on the coding strand, the reverse complement: FANCA is on the minus strand); the first of 3 consecutive G bases (chr16:89,810,742-89,810,744); deleting any one gives the same sequence. VCF-style (leftmost placement, unchanged base first): chr16-89810741-CG-C. GRCh37 (hg19) VCF-style: chr16-89877149-CG-C.
Other names: c.487del, p.Arg163fs (NM_001018112.3, NM_001286167.3); c.426+187del (NM_001351830.2); c.487del (NM_000135.3); short protein forms R163fs.
Identifiers: ClinVar variation 974191 (VCV000974191.2), dbSNP rs2040845588, ClinGen allele CA1139664985.

ClinVar aggregate classification (germline): Pathogenic. Review status: criteria provided, single submitter (1 of 4 stars). 2 submissions from 2 submitters: Pathogenic (1). 1 of the submissions does not count toward it. Last evaluated 2025-06-19.

Conditions:
Fanconi anemia (FA). Also called: Fanconi's anemia. Identifiers: Orphanet 84, MedGen C0015625, MeSH D005199, MONDO:0019391.
Fanconi anemia complementation group A (FANCA). Also called: Fanconi anemia, group A; FANCA-Related Fanconi Anemia. Identifiers: Orphanet 84, MedGen C3469521, MONDO:0009215, OMIM 227650.

Submissions (2):

Natera, Inc.
Classification: Pathogenic for Fanconi anemia. Last evaluated: 2025-06-19. Review status: criteria provided, single submitter. Criteria: Natera Variant Classification Schema (03/2026). Collection method: clinical testing. Allele origin: germline.
Comment: The c.487del variant in FANCA is a frameshift variant predicted to shift the reading frame beginning at codon 163 and leads to a stop codon 29 codons downstream. This variant is expected to result in nonsense mediated decay, truncation, or a dysfunctional protein product. This variant is rare in the general population with a frequency below the threshold expected for the associated phenotype(s). This variant has been observed in one or more individuals affected with the associated recessive disease, as either homozygous or compound heterozygous with a second variant (PMID: 22778927). Given the available evidence, this variant is classified as Pathogenic.

Leiden Open Variation Database
Classification: Pathogenic for Fanconi anemia complementation group A. Last evaluated: 2020-02-28. Review status: no assertion criteria provided. Collection method: curation. Allele origin: germline. Affected: yes. Not counted in ClinVar's aggregate classification.
Comment: Curator: Arleen D. Auerbach. Submitter to LOVD: Johan de Winter.

Literature cited by the submitters: PubMed 22778927 (cited by Natera, Inc. and Leiden Open Variation Database).